The following is an entry in ClinVar:

ClinVar aggregate classification (germline): Uncertain significance (1 of 4 stars; one submission).

Conditions:
Hereditary cancer-predisposing syndrome. Also called: Hereditary neoplastic syndrome; Hereditary Cancer Syndrome; Neoplastic Syndromes, Hereditary; Tumor predisposition. Identifiers: Orphanet 140162, MedGen C0027672, MeSH D009386, MONDO:0015356.

Submission:

Ambry Genetics
Classification: Uncertain significance for Hereditary cancer-predisposing syndrome. Last evaluated: 2023-04-28. Review status: criteria provided, single submitter. Criteria: Ambry Variant Classification Scheme 2023. Collection method: clinical testing. Allele origin: germline.
Comment: The p.I1740F variant (also known as c.5218A>T), located in coding exon 34 of the ATM gene, results from an A to T substitution at nucleotide position 5218. The isoleucine at codon 1740 is replaced by phenylalanine, an amino acid with highly similar properties. This amino acid position is conserved. In addition, this alteration is predicted to be deleterious by in silico analysis. Since supporting evidence is limited at this time, the clinical significance of this alteration remains unclear.

NM_000051.4(ATM):c.5218A>T (p.Ile1740Phe)

Gene: ATM (ATM serine/threonine kinase; plus strand). Cytogenetic location: 11q22.3.
Variant type: single nucleotide variant.
Coding change: c.5218A>T on transcript NM_000051.4 (MANE Select); coding-DNA position 5218, A replaced by T.
Protein change: p.Ile1740Phe; replaces isoleucine 1740 with phenylalanine.
Molecular consequence: missense variant.
Genome position (GRCh38, 1-based): chr11:108,301,688, A>T. VCF-style: chr11-108301688-A-T. GRCh37 (hg19) VCF-style: chr11-108172415-A-T.
Other names: c.5218A>T, p.Ile1740Phe (NM_001351834.2); c.5218A>T (NM_000051.3); short protein forms I1740F.
Identifiers: ClinVar variation 2568212 (VCV002568212.2), dbSNP rs1358200819, ClinGen allele CA382542292.